The following is an entry in ClinVar:

NM_001273.5(CHD4):c.1714C>T (p.Arg572Ter)

Gene: CHD4 (chromodomain helicase DNA binding protein 4; minus strand). Cytogenetic location: 12p13.31.
Variant type: single nucleotide variant.
Coding change: c.1714C>T on transcript NM_001273.5 (MANE Select); coding-DNA position 1714, C replaced by T.
Protein change: p.Arg572Ter; replaces arginine 572 with a stop codon.
Molecular consequence: nonsense.
Genome position (GRCh38, 1-based): chr12:6,598,072, G>A on the plus strand (C>T on the coding strand, the complement: CHD4 is on the minus strand). VCF-style: chr12-6598072-G-A. GRCh37 (hg19) VCF-style: chr12-6707238-G-A.
Other names: c.1693C>T, p.Arg565Ter (NM_001297553.2); c.1675C>T, p.Arg559Ter (NM_001363606.2); short protein forms R559*, R565*, R572*.
Identifiers: ClinVar variation 1326016 (VCV001326016.3), dbSNP rs2136220894, ClinGen allele CA383598194.
Genomic context (GRCh38, chr12:6,598,072, plus strand): 5'-CATCACCACCAAAGTCCCCAGAAGGTGGCTCATCCATATCATTCTTCCGCTGATAGTTTC[G>A]GAACATCACCTGACAGTGCAGCTCCAGCTTTGAGCGGAAAGAGAAAATCAGCCACCAAGA-3'

ClinVar aggregate classification (germline): Likely pathogenic (1 of 4 stars; one submission).

Submission:

GeneDx
Classification: Likely pathogenic. Last evaluated: 2024-12-05. Review status: criteria provided, single submitter. Criteria: GeneDx Variant Classification Process June 2021. Collection method: clinical testing. Allele origin: germline. Affected: yes.
Comment: Nonsense variant predicted to result in protein truncation or nonsense mediated decay in a gene for which loss of function is a known mechanism of disease; Not observed at significant frequency in large population cohorts (gnomAD); Has not been previously published as pathogenic or benign to our knowledge